The following is an entry in ClinVar:

NM_000183.3(HADHB):c.635C>T (p.Pro212Leu)

Gene: HADHB (hydroxyacyl-CoA dehydrogenase trifunctional multienzyme complex subunit beta; plus strand). Cytogenetic location: 2p23.3.
Variant type: single nucleotide variant.
Coding change: c.635C>T on transcript NM_000183.3 (MANE Select); coding-DNA position 635, C replaced by T.
Protein change: p.Pro212Leu; replaces proline 212 with leucine.
Molecular consequence: missense variant.
Genome position (GRCh38, 1-based): chr2:26,279,139, C>T. VCF-style: chr2-26279139-C-T. GRCh37 (hg19) VCF-style: chr2-26502007-C-T.
Other names: p.Pro212Leu; c.590C>T, p.Pro197Leu (NM_001281512.2); c.569C>T, p.Pro190Leu (NM_001281513.2); short protein forms P197L, P190L, P212L.
Identifiers: ClinVar variation 897805 (VCV000897805.7), dbSNP rs758393205, ClinGen allele CA1560303.
Genomic context (GRCh38, chr2:26,279,139, plus strand): 5'-TGTTAGCATAACACCGGTTAACAGTGTACCTGCTCCTTGGATATCTCCTTTCCCAGCTCC[C>T]TGCGGTTTCTGAGTTCTCCACCAGTGAGACCATGGGCCACTCTGCAGACCGACTGGCCGC-3'
Protein context (NP_000174.1, residues 202-222): FRFNFLAPEL[Pro212Leu]AVSEFSTSET

ClinVar aggregate classification (germline): Uncertain significance. Review status: criteria provided, multiple submitters, no conflicts (2 of 4 stars). 3 submissions from 3 submitters: Uncertain significance (3). Last evaluated 2024-11-14.

Conditions:
Mitochondrial trifunctional protein deficiency. Identifiers: Orphanet 746, MedGen C1969443, MONDO:0012172.

Allele frequency attached by ClinVar (database versions not stated): gnomAD 0.00001; gnomAD exomes 0.00003 and 0.00005; TOPMed 0.00004; ExAC 0.00007.
gnomAD v4.1: 54 of 1,613,174 alleles (0.0033%); highest among the groups gnomAD compares: Non-Finnish European, 0.0013%; no homozygotes.

Submissions (3):

Mayo Clinic Laboratories, Mayo Clinic
Classification: Uncertain significance. Last evaluated: 2024-11-14. Review status: criteria provided, single submitter. Criteria: ACMG Guidelines, 2015. Collection method: clinical testing. Allele origin: germline. Observed: 1 variant allele.

Labcorp Genetics (formerly Invitae), Labcorp
Classification: Uncertain significance for Mitochondrial trifunctional protein deficiency. Last evaluated: 2024-04-05. Review status: criteria provided, single submitter. Criteria: Invitae Variant Classification Sherloc (09022015). Collection method: clinical testing. Allele origin: germline.
Comment: This sequence change replaces proline, which is neutral and non-polar, with leucine, which is neutral and non-polar, at codon 212 of the HADHB protein (p.Pro212Leu). This variant is present in population databases (rs758393205, gnomAD 0.09%). This variant has not been reported in the literature in individuals affected with HADHB-related conditions. ClinVar contains an entry for this variant (Variation ID: 897805). Advanced modeling of protein sequence and biophysical properties (such as structural, functional, and spatial information, amino acid conservation, physicochemical variation, residue mobility, and thermodynamic stability) performed at Invitae indicates that this missense variant is not expected to disrupt HADHB protein function with a negative predictive value of 80%. In summary, the available evidence is currently insufficient to determine the role of this variant in disease. Therefore, it has been classified as a Variant of Uncertain Significance.

Illumina Laboratory Services, Illumina
Classification: Uncertain significance for Mitochondrial trifunctional protein deficiency 1. Last evaluated: 2018-01-12. Review status: criteria provided, single submitter. Criteria: ICSL Variant Classification Criteria 13 December 2019. Collection method: clinical testing. Allele origin: germline.